The following is an entry in ClinVar:

Single allele

Variant type: Deletion.
Identifiers: ClinVar variation 157279 (VCV000157279.2).

ClinVar aggregate classification (germline): not provided (0 of 4 stars; one submission).

Conditions:
Large for gestational age. Identifiers: MedGen C1848395, HP:0001520.

Submission:

Institute of Molecular and Cell Biology, University of Tartu
No classification provided. Condition: Large for gestational age. Review status: no classification provided. Collection method: case-control. Allele origin: unknown. Affected: yes. Study: Kasak2014.
Comment: The study aimed to determine the contribution of copy number variants in the genetic etiology of normal and complicated pregnancies. The samples represented (i) maternal blood DNA drawn from healthy pregnant women during 1st or 2nd trimester and (ii) maternal and paternal blood DNA drawn at term pregnancy cases representing normal and complicated gestations (severe preeclampsia, PE; gestational diabetes, GD; small-for-gestational age newborn, SGA; large-for-gestational age newborn, LGA). We performed CNV calling based on genome-wide genotyping dataset (Illumina HumanOmniExpress-24-v1 BeadChip) by applying three algorithms, QuantiSNP, GADA (Genome Alteration Detection Algorithm) and CNstream in parallel. The acquired CNV calls were merged with HD-CNV (Hotspot Detector for Copy Number Variants) program and only the CNVs predicted by at least two programs, were considered in subsequent analysis.

Literature cited by the submitters: PubMed 25666259.